The following is an entry in ClinVar:

ClinVar aggregate classification (germline): Uncertain significance (1 of 4 stars; one submission).

Conditions:
Inborn genetic diseases. Identifiers: MedGen C0950123, MeSH D030342.

Submission:

Ambry Genetics
Classification: Uncertain significance for Inborn genetic diseases. Last evaluated: 2024-02-01. Review status: criteria provided, single submitter. Criteria: Ambry Variant Classification Scheme 2023. Collection method: clinical testing. Allele origin: germline.
Comment: The p.P490A variant (also known as c.1468C>G), located in coding exon 11 of the BUB1B gene, results from a C to G substitution at nucleotide position 1468. The proline at codon 490 is replaced by alanine, an amino acid with highly similar properties. This amino acid position is conserved. In addition, this alteration is predicted to be tolerated by in silico analysis. Based on the available evidence, the clinical significance of this alteration remains unclear.

NM_001211.6(BUB1B):c.1468C>G (p.Pro490Ala)

Gene: BUB1B (BUB1 mitotic checkpoint serine/threonine kinase B; plus strand). Cytogenetic location: 15q15.1.
Variant type: single nucleotide variant.
Coding change: c.1468C>G on transcript NM_001211.6 (MANE Select); coding-DNA position 1468, C replaced by G.
Protein change: p.Pro490Ala; replaces proline 490 with alanine.
Molecular consequence: missense variant.
Genome position (GRCh38, 1-based): chr15:40,200,310, C>G. VCF-style: chr15-40200310-C-G. GRCh37 (hg19) VCF-style: chr15-40492511-C-G.
Other names: short protein forms P490A.
Identifiers: ClinVar variation 3221349 (VCV003221349.1), dbSNP rs1465653297, ClinGen allele CA391689985.